The following is an entry in ClinVar:

NM_017763.6(RNF43):c.1719C>T (p.Thr573=)

Gene: RNF43 (ring finger protein 43; minus strand). Cytogenetic location: 17q22.
Variant type: single nucleotide variant.
Coding change: c.1719C>T on transcript NM_017763.6 (MANE Select); coding-DNA position 1719, C replaced by T.
Protein change: p.Thr573=; no amino-acid change (threonine 573 retained).
Molecular consequence: synonymous variant.
Genome position (GRCh38, 1-based): chr17:58,358,057, G>A on the plus strand (C>T on the coding strand, the complement: RNF43 is on the minus strand). VCF-style: chr17-58358057-G-A. GRCh37 (hg19) VCF-style: chr17-56435418-G-A.
Other names: c.1719C>T, p.Thr573= (NM_001305544.3); c.1338C>T, p.Thr446= (NM_001305545.2).
Identifiers: ClinVar variation 1100672 (VCV001100672.31), dbSNP rs764716059, ClinGen allele CA8673126.
Genomic context (GRCh38, chr17:58,358,057, plus strand): 5'-AGAAGGTGGCTCTGGCTGGGGCTGTGTCCGAGGAATAGGAGGCCTGGACTGGGGGACTCC[G>A]GTTTCTGGGCCAGGCTTCCTGCCATGCCACTGGAACCGCTTTTTGTAGTGGTGGTGCCGG-3'
Protein context (NP_060233.3, residues 563-583): QWHGRKPGPE[Thr573=]GVPQSRPPIP

ClinVar aggregate classification (germline): Benign/Likely benign. Review status: criteria provided, multiple submitters, no conflicts (2 of 4 stars). 4 submissions from 4 submitters: Benign (1); Likely benign (3). Last evaluated 2026-07-02.

Conditions:
Sessile serrated polyposis cancer syndrome (SSPCS). Identifiers: Orphanet 157798, MedGen C4310714, MONDO:0014919, OMIM 617108.

Allele frequency attached by ClinVar (database versions not stated): gnomAD 0.00002 and 0.00003; TOPMed 0.00002; gnomAD exomes 0.00005 and 0.00004; ExAC 0.00008.
gnomAD v4.1: 56 of 1,590,856 alleles (0.0035%); highest among the groups gnomAD compares: South Asian, 0.025%; no homozygotes.

Submissions (4):

Myriad Genetics, Inc.
Classification: Benign for Sessile serrated polyposis cancer syndrome. Last evaluated: 2026-07-02. Review status: criteria provided, single submitter. Criteria: Myriad Autosomal Dominant, Autosomal Recessive and X-Linked Classification Criteria (2023). Collection method: clinical testing. Allele origin: unknown.
Comment: This variant is considered benign. This variant is a silent/synonymous amino acid change and it is not expected to impact splicing.

Labcorp Genetics (formerly Invitae), Labcorp
Classification: Likely benign. Last evaluated: 2025-10-22. Review status: criteria provided, single submitter. Criteria: Invitae Variant Classification Sherloc (09022015). Collection method: clinical testing. Allele origin: germline.

Ambry Genetics
Classification: Likely benign. Last evaluated: 2024-11-22. Review status: criteria provided, single submitter. Criteria: Ambry Variant Classification Scheme 2023. Collection method: clinical testing. Allele origin: germline.

CeGaT Center for Human Genetics Tuebingen
Classification: Likely benign. Last evaluated: 2024-03-01. Review status: criteria provided, single submitter. Criteria: CeGaT Center For Human Genetics Tuebingen Variant Classification Criteria Version 2. Collection method: clinical testing. Allele origin: germline. Affected: yes. Observed: 1 variant allele.
Comment: RNF43: BP4, BP7